The following is an entry in ClinVar:

NM_001101362.3(KBTBD13):c.389G>C (p.Cys130Ser)

Gene: KBTBD13 (kelch repeat and BTB domain containing 13; plus strand). Cytogenetic location: 15q22.31.
Variant type: single nucleotide variant.
Coding change: c.389G>C on transcript NM_001101362.3 (MANE Select); coding-DNA position 389, G replaced by C.
Protein change: p.Cys130Ser; replaces cysteine 130 with serine.
Molecular consequence: missense variant.
Genome position (GRCh38, 1-based): chr15:65,077,204, G>C. VCF-style: chr15-65077204-G-C. GRCh37 (hg19) VCF-style: chr15-65369542-G-C.
Other names: short protein forms C130S.
Identifiers: ClinVar variation 841705 (VCV000841705.9), dbSNP rs1316788781, ClinGen allele CA392860379.

ClinVar aggregate classification (germline): Uncertain significance (1 of 4 stars; one submission).

Conditions:
Nemaline myopathy 6 (NEM6). Also called: Nemaline myopathy 6, autosomal dominant. Identifiers: Orphanet 171439, MedGen C1836472, MONDO:0012237, OMIM 609273.

Submission:

Labcorp Genetics (formerly Invitae), Labcorp
Classification: Uncertain significance for Nemaline myopathy 6. Last evaluated: 2022-06-27. Review status: criteria provided, single submitter. Criteria: Invitae Variant Classification Sherloc (09022015). Collection method: clinical testing. Allele origin: germline.
Comment: In summary, the available evidence is currently insufficient to determine the role of this variant in disease. Therefore, it has been classified as a Variant of Uncertain Significance. Algorithms developed to predict the effect of missense changes on protein structure and function (SIFT, PolyPhen-2, Align-GVGD) all suggest that this variant is likely to be tolerated. ClinVar contains an entry for this variant (Variation ID: 841705). This variant has not been reported in the literature in individuals affected with KBTBD13-related conditions. This variant is not present in population databases (gnomAD no frequency). This sequence change replaces cysteine, which is neutral and slightly polar, with serine, which is neutral and polar, at codon 130 of the KBTBD13 protein (p.Cys130Ser).